The following is an entry in ClinVar:

NM_000312.4(PROC):c.900C>G (p.Ile300Met)

Gene: PROC (protein C, inactivator of coagulation factors Va and VIIIa; plus strand). Cytogenetic location: 2q14.3.
Variant type: single nucleotide variant.
Coding change: c.900C>G on transcript NM_000312.4 (MANE Select); coding-DNA position 900, C replaced by G.
Protein change: p.Ile300Met; replaces isoleucine 300 with methionine.
Molecular consequence: missense variant.
Genome position (GRCh38, 1-based): chr2:127,428,460, C>G. VCF-style: chr2-127428460-C-G. GRCh37 (hg19) VCF-style: chr2-128186036-C-G.
Other names: p.Ile300Met; c.1083C>G, p.Ile361Met (NM_001375602.1); c.1065C>G, p.Ile355Met (NM_001375603.1); c.963C>G, p.Ile321Met (NM_001375604.1); c.1002C>G, p.Ile334Met (NM_001375605.1); c.1068C>G, p.Ile356Met (NM_001375606.1); c.1086C>G, p.Ile362Met (NM_001375607.1); c.843C>G, p.Ile281Met (NM_001375608.1); and 3 more; short protein forms I281M, I292M, I298M, I300M, I321M, I334M, I355M, I356M.
Identifiers: ClinVar variation 3380951 (VCV003380951.1).

ClinVar aggregate classification (germline): Likely pathogenic (1 of 4 stars; one submission).

gnomAD v4.1: 1 of 1,614,196 alleles (0.000062%); highest among the groups gnomAD compares: Non-Finnish European, 0.000085%; no homozygotes.

Submission:

Mayo Clinic Laboratories, Mayo Clinic
Classification: Likely pathogenic. Last evaluated: 2023-07-10. Review status: criteria provided, single submitter. Criteria: ACMG Guidelines, 2015. Collection method: clinical testing. Allele origin: germline. Observed: 1 variant allele.
Comment: PP3, PM1, PM2_moderate, PM5

Literature cited by the submitters: PubMed 32717757.